The following is an entry in ClinVar:

NM_003823.4(TNFRSF6B):c.7G>T (p.Ala3Ser)

Genes: RTEL1-TNFRSF6B (RTEL1-TNFRSF6B readthrough (NMD candidate); plus strand), TNFRSF6B (TNF receptor superfamily member 6b; plus strand). Cytogenetic location: 20q13.33.
Variant type: single nucleotide variant.
Coding change: c.7G>T on transcript NM_003823.4 (MANE Select); coding-DNA position 7, G replaced by T.
Protein change: p.Ala3Ser; replaces alanine 3 with serine.
Molecular consequence: missense variant. On other transcripts: non-coding transcript variant (1).
Genome position (GRCh38, 1-based): chr20:63,696,774, G>T. VCF-style: chr20-63696774-G-T. GRCh37 (hg19) VCF-style: chr20-62328127-G-T.
Other names: short protein forms A3S.
Identifiers: ClinVar variation 1996178 (VCV001996178.4), dbSNP rs2517213269, ClinGen allele CA409710602.

ClinVar aggregate classification (germline): Uncertain significance (1 of 4 stars; one submission).

Submission:

Labcorp Genetics (formerly Invitae), Labcorp
Classification: Uncertain significance. Last evaluated: 2022-05-18. Review status: criteria provided, single submitter. Criteria: Invitae Variant Classification Sherloc (09022015). Collection method: clinical testing. Allele origin: germline.
Comment: This variant has not been reported in the literature in individuals affected with TNFRSF6B-related conditions. Algorithms developed to predict the effect of missense changes on protein structure and function are either unavailable or do not agree on the potential impact of this missense change (SIFT: "Tolerated"; PolyPhen-2: "Not Available"; Align-GVGD: "Class C0"). In summary, the available evidence is currently insufficient to determine the role of this variant in disease. Therefore, it has been classified as a Variant of Uncertain Significance. This variant is not present in population databases (gnomAD no frequency). This sequence change replaces alanine, which is neutral and non-polar, with serine, which is neutral and polar, at codon 3 of the TNFRSF6B protein (p.Ala3Ser).